The following is an entry in ClinVar:

NM_001377458.1(CLCC1):c.1232C>G (p.Pro411Arg)

Gene: CLCC1 (chloride channel CLIC like 1; minus strand). Cytogenetic location: 1p13.3.
Variant type: single nucleotide variant.
Coding change: c.1232C>G on transcript NM_001377458.1 (MANE Select); coding-DNA position 1232, C replaced by G.
Protein change: p.Pro411Arg; replaces proline 411 with arginine.
Molecular consequence: missense variant. On other transcripts: non-coding transcript variant (1).
Genome position (GRCh38, 1-based): chr1:108,937,228, G>C on the plus strand (C>G on the coding strand, the complement: CLCC1 is on the minus strand). VCF-style: chr1-108937228-G-C. GRCh37 (hg19) VCF-style: chr1-109479850-G-C.
Other names: c.1232C>G, p.Pro411Arg (NM_001048210.3, NM_001377459.1, NM_001377460.1 and 8 more transcripts); c.869C>G, p.Pro290Arg (NM_001278202.2); c.677C>G, p.Pro226Arg (NM_001278203.1); c.1130C>G, p.Pro377Arg (NM_001377469.1); c.941C>G, p.Pro314Arg (NM_001377470.1); c.1082C>G, p.Pro361Arg (NM_015127.5); short protein forms P314R, P226R, P377R, P290R, P361R, P411R.
Identifiers: ClinVar variation 1361615 (VCV001361615.6), dbSNP rs765337009, ClinGen allele CA983373.

ClinVar aggregate classification (germline): Uncertain significance (1 of 4 stars; one submission).

Allele frequency attached by ClinVar (database versions not stated): gnomAD exomes below 0.00001; gnomAD 0.00001; ExAC 0.00002; TOPMed 0.00002.
gnomAD v4.1: 7 of 1,613,594 alleles (0.00043%); highest among the groups gnomAD compares: African/African-American, 0.0067%; no homozygotes.

Submission:

Labcorp Genetics (formerly Invitae), Labcorp
Classification: Uncertain significance. Last evaluated: 2022-07-05. Review status: criteria provided, single submitter. Criteria: Invitae Variant Classification Sherloc (09022015). Collection method: clinical testing. Allele origin: germline.
Comment: This variant has not been reported in the literature in individuals affected with CLCC1-related conditions. This variant is present in population databases (rs765337009, gnomAD 0.007%). This sequence change replaces proline, which is neutral and non-polar, with arginine, which is basic and polar, at codon 411 of the CLCC1 protein (p.Pro411Arg). ClinVar contains an entry for this variant (Variation ID: 1361615). In summary, the available evidence is currently insufficient to determine the role of this variant in disease. Therefore, it has been classified as a Variant of Uncertain Significance. Algorithms developed to predict the effect of missense changes on protein structure and function are either unavailable or do not agree on the potential impact of this missense change (SIFT: "Deleterious"; PolyPhen-2: "Probably Damaging"; Align-GVGD: "Class C0").